The following is an entry in ClinVar:

ClinVar aggregate classification (germline): Uncertain significance. Review status: criteria provided, multiple submitters, no conflicts (2 of 4 stars). 2 submissions from 2 submitters: Uncertain significance (2). Last evaluated 2022-12-01.

Allele frequency attached by ClinVar (database versions not stated): gnomAD 0.00001; gnomAD exomes 0.00001 and 0.00003; TOPMed 0.00002; ExAC 0.00006.
gnomAD v4.1: 14 of 1,614,062 alleles (0.00087%); highest among the groups gnomAD compares: Admixed American, 0.018%; no homozygotes.

Submissions (2):

Ambry Genetics
Classification: Uncertain significance. Last evaluated: 2022-12-01. Review status: criteria provided, single submitter. Criteria: Ambry Variant Classification Scheme 2023. Collection method: clinical testing. Allele origin: germline.
Comment: The p.Q178E variant (also known as c.532C>G), located in coding exon 6 of the A2ML1 gene, results from a C to G substitution at nucleotide position 532. The glutamine at codon 178 is replaced by glutamic acid, an amino acid with highly similar properties. This amino acid position is conserved. In addition, this alteration is predicted to be tolerated by in silico analysis. Since supporting evidence is limited at this time, the clinical significance of this alteration remains unclear.

Labcorp Genetics (formerly Invitae), Labcorp
Classification: Uncertain significance. Last evaluated: 2022-06-13. Review status: criteria provided, single submitter. Criteria: Invitae Variant Classification Sherloc (09022015). Collection method: clinical testing. Allele origin: germline.
Comment: In summary, the available evidence is currently insufficient to determine the role of this variant in disease. Therefore, it has been classified as a Variant of Uncertain Significance. Algorithms developed to predict the effect of missense changes on protein structure and function output the following: SIFT: "Tolerated"; PolyPhen-2: "Benign"; Align-GVGD: "Class C0". The glutamic acid amino acid residue is found in multiple mammalian species, which suggests that this missense change does not adversely affect protein function. This variant has not been reported in the literature in individuals affected with A2ML1-related conditions. This variant is present in population databases (rs756460452, gnomAD 0.02%). This sequence change replaces glutamine, which is neutral and polar, with glutamic acid, which is acidic and polar, at codon 178 of the A2ML1 protein (p.Gln178Glu).

NM_144670.6(A2ML1):c.532C>G (p.Gln178Glu)

Gene: A2ML1 (alpha-2-macroglobulin like 1; plus strand). Cytogenetic location: 12p13.31.
Variant type: single nucleotide variant.
Coding change: c.532C>G on transcript NM_144670.6 (MANE Select); coding-DNA position 532, C replaced by G.
Protein change: p.Gln178Glu; replaces glutamine 178 with glutamic acid.
Molecular consequence: missense variant.
Genome position (GRCh38, 1-based): chr12:8,835,555, C>G. VCF-style: chr12-8835555-C-G. GRCh37 (hg19) VCF-style: chr12-8988151-C-G.
Other names: c.532C>G (NM_144670.3); short protein forms Q178E.
Identifiers: ClinVar variation 1407908 (VCV001407908.9), dbSNP rs756460452, ClinGen allele CA6435354.
Genomic context (GRCh38, chr12:8,835,555, plus strand): 5'-TCTATTGGACAGGATCCAAATAGCAACAGGATTGCACAGTGGCTGGAAGTGGTACCTGAG[C>G]AAGGCATTGTAGACCTGTCCTTCCAACTGGCACCAGAGGCAATGCTGGGCACCTACACTG-3'
Protein context (NP_653271.3, residues 168-188): IAQWLEVVPE[Gln178Glu]GIVDLSFQLA